The following is an entry in ClinVar:

NM_130384.3(ATRIP):c.95A>T (p.Lys32Met)

Genes: ATRIP (ATR interacting protein; plus strand), ATRIP-TREX1 (ATRIP-TREX1 readthrough; plus strand), LOC129936703 (ATAC-STARR-seq lymphoblastoid silent region 14331; plus strand). Cytogenetic location: 3p21.31.
Variant type: single nucleotide variant.
Coding change: c.95A>T on transcript NM_130384.3 (MANE Select); coding-DNA position 95, A replaced by T.
Protein change: p.Lys32Met; replaces lysine 32 with methionine.
Molecular consequence: missense variant. On other transcripts: non-coding transcript variant (1), intron variant (1).
Genome position (GRCh38, 1-based): chr3:48,446,940, A>T. VCF-style: chr3-48446940-A-T. GRCh37 (hg19) VCF-style: chr3-48488344-A-T.
Other names: c.95A>T, p.Lys32Met (NM_032166.4); c.-218+141A>T (NM_001271022.2); short protein forms K32M.
Identifiers: ClinVar variation 5032446 (VCV005032446.1).

ClinVar aggregate classification (germline): Uncertain significance (1 of 4 stars; one submission).

Submission:

Ambry Genetics
Classification: Uncertain significance. Last evaluated: 2026-08-04. Review status: criteria provided, single submitter. Criteria: Ambry Variant Classification Scheme 2023. Collection method: clinical testing. Allele origin: germline.
Comment: The p.K32M variant (also known as c.95A>T), located in coding exon 1 of the ATRIP gene, results from an A to T substitution at nucleotide position 95. The lysine at codon 32 is replaced by methionine, an amino acid with similar properties. This amino acid position is conserved. In addition, the in silico prediction for this alteration is inconclusive. Based on the available evidence, the clinical significance of this variant remains unclear.